The following is an entry in ClinVar:

ClinVar aggregate classification (germline): Conflicting classifications of pathogenicity. Review status: criteria provided, conflicting classifications (1 of 4 stars). 2 submissions from 2 submitters: Likely pathogenic (1); Uncertain significance (1). Last evaluated 2023-06-11.

Conditions:
NRXN1-related disorder.

Submissions (2):

GeneDx
Classification: Likely pathogenic. Last evaluated: 2023-06-11. Review status: criteria provided, single submitter. Criteria: GeneDx Variant Classification Process June 2021. Collection method: clinical testing. Allele origin: germline. Affected: yes.
Comment: Frameshift variant predicted to result in protein truncation or nonsense mediated decay in a gene for which loss of function is a known mechanism of disease; Not observed at significant frequency in large population cohorts (gnomAD); Has not been previously published as pathogenic or benign to our knowledge

PreventionGenetics, part of Exact Sciences
Classification: Uncertain significance for NRXN1-related condition. Last evaluated: 2022-11-01. Review status: criteria provided, single submitter. Criteria: ACMG Guidelines, 2015. Collection method: clinical testing. Allele origin: germline.
Comment: The NRXN1 c.87dupG variant is predicted to result in a frameshift and premature protein termination (p.Arg30Alafs*65). To our knowledge, this variant has not been reported in the literature or in a large population database, indicating this variant is rare. Although we suspect that this variant may be pathogenic, at this time, the clinical significance of this variant is uncertain due to the absence of conclusive functional and genetic evidence.

NM_001330078.2(NRXN1):c.3365-109893dup

Gene: NRXN1 (neurexin 1; minus strand). Cytogenetic location: 2p16.3.
Variant type: Duplication.
Coding change: c.3365-109893dup on transcript NM_001330078.2 (MANE Select); 109893 bases into the intron before coding-DNA position 3365, one base duplicated (G; older notation c.3365-109893dupG).
Molecular consequence: intron variant. On other transcripts: frameshift variant (4).
Genome position (GRCh38, 1-based): chr2:50,346,863, C duplicated on the plus strand (G on the coding strand, the reverse complement: NRXN1 is on the minus strand); the first of 6 consecutive C bases (chr2:50,346,863-50,346,868); duplicating any one gives the same sequence. VCF-style (leftmost placement, unchanged base first): chr2-50346862-G-GC. GRCh37 (hg19) VCF-style: chr2-50574000-G-GC.
Other names: c.87dup, p.Arg30fs (NM_001330091.2, NM_001330092.2, NM_001330097.2 and 1 more transcripts); c.3254-109893dup (NM_001330096.2, NM_001330087.2); c.3299-109893dup (NM_001330083.2, NM_001330084.2); c.3284-109893dup (NM_001330088.2); c.3362-109893dup (NM_001330093.2); c.3353-109893dup (NM_001330094.2); c.3314-109893dup (NM_001330095.2); c.3341-109893dup (NM_001330082.2, NM_001330077.2); and 3 more; short protein forms R30fs.
Identifiers: ClinVar variation 2628629 (VCV002628629.2), dbSNP rs2467370162, ClinGen allele CA2659007077.
Genomic context (GRCh38, chr2:50,346,862, plus strand): 5'-CCCACGCCACTCCTAGGAGGCCGCTGAGGGTGAGCGGGACTATCCAAAGCAGGGCCAGGC[G>GC]CCCCCCTGCGCCGCCGCCGCCGCCGCCGCCGCCGCCGCCCCCGGGCGAGCCCAGCTCGGC-3'